The following is an entry in ClinVar:

NM_005458.8(GABBR2):c.1736A>G (p.His579Arg)

Gene: GABBR2 (gamma-aminobutyric acid type B receptor subunit 2; minus strand). Cytogenetic location: 9q22.33.
Variant type: single nucleotide variant.
Coding change: c.1736A>G on transcript NM_005458.8 (MANE Select); coding-DNA position 1736, A replaced by G.
Protein change: p.His579Arg; replaces histidine 579 with arginine.
Molecular consequence: missense variant.
Genome position (GRCh38, 1-based): chr9:98,371,498, T>C on the plus strand (A>G on the coding strand, the complement: GABBR2 is on the minus strand). VCF-style: chr9-98371498-T-C. GRCh37 (hg19) VCF-style: chr9-101133780-T-C.
Other names: short protein forms H579R.
Identifiers: ClinVar variation 3712651 (VCV003712651.2).

ClinVar aggregate classification (germline): Uncertain significance (1 of 4 stars; one submission).

Conditions:
Epileptic encephalopathy. Identifiers: MedGen C0543888, HP:0200134.

Submission:

Labcorp Genetics (formerly Invitae), Labcorp
Classification: Uncertain significance for Epileptic encephalopathy. Last evaluated: 2024-10-10. Review status: criteria provided, single submitter. Criteria: Invitae Variant Classification Sherloc (09022015). Collection method: clinical testing. Allele origin: germline.
Comment: This sequence change replaces histidine, which is basic and polar, with arginine, which is basic and polar, at codon 579 of the GABBR2 protein (p.His579Arg). This variant is not present in population databases (gnomAD no frequency). This variant has not been reported in the literature in individuals affected with GABBR2-related conditions. Invitae Evidence Modeling of protein sequence and biophysical properties (such as structural, functional, and spatial information, amino acid conservation, physicochemical variation, residue mobility, and thermodynamic stability) indicates that this missense variant is expected to disrupt GABBR2 protein function with a positive predictive value of 80%. In summary, the available evidence is currently insufficient to determine the role of this variant in disease. Therefore, it has been classified as a Variant of Uncertain Significance.